The following is an entry in ClinVar:

NM_002016.2(FLG):c.9156del (p.Glu3054fs)

Genes: CCDST (cervical cancer associated DHX9 suppressive transcript; plus strand), FLG (filaggrin; minus strand). Cytogenetic location: 1q21.3.
Variant type: Deletion.
Coding change: c.9156del on transcript NM_002016.2 (MANE Select); coding-DNA position 9156, one base deleted (A; older notation c.9156delA).
Protein change: p.Glu3054fs; shifts the reading frame from glutamic acid 3054.
Molecular consequence: frameshift variant.
Genome position (GRCh38, 1-based): chr1:152,305,730, T deleted on the plus strand (A on the coding strand, the reverse complement: FLG is on the minus strand). VCF-style (leftmost placement, unchanged base first): chr1-152305729-CT-C. GRCh37 (hg19) VCF-style: chr1-152278205-CT-C.
Other names: c.9156delA, p.Glu3054Lysfs (NM_002016.1); short protein forms E3054fs.
Identifiers: ClinVar variation 4537857 (VCV004537857.1).

ClinVar aggregate classification (germline): Pathogenic (1 of 4 stars; one submission).

Submission:

GeneDx
Classification: Pathogenic. Last evaluated: 2025-06-11. Review status: criteria provided, single submitter. Criteria: GeneDx Variant Classification Process June 2021. Collection method: clinical testing. Allele origin: germline. Affected: yes.
Comment: Frameshift variant in the C-terminus predicted to result in protein truncation, as the last 1008 amino acids are lost and replaced with 12 incorrect amino acids; Not observed in large population cohorts (gnomAD); Has not been previously published as pathogenic or benign to our knowledge